The following is an entry in ClinVar:

ClinVar aggregate classification (germline): Uncertain significance (1 of 4 stars; one submission).

Conditions:
Inborn genetic diseases. Identifiers: MedGen C0950123, MeSH D030342.

Submission:

Ambry Genetics
Classification: Uncertain significance for Inborn genetic diseases. Last evaluated: 2024-12-10. Review status: criteria provided, single submitter. Criteria: Ambry Variant Classification Scheme 2023. Collection method: clinical testing. Allele origin: germline.
Comment: The p.N273D variant (also known as c.817A>G), located in coding exon 6 of the DNMT3A gene, results from an A to G substitution at nucleotide position 817. The asparagine at codon 273 is replaced by aspartic acid, an amino acid with highly similar properties. This amino acid position is conserved. In addition, this alteration is predicted to be tolerated by in silico analysis. Based on the available evidence, the clinical significance of this variant remains unclear.

NM_022552.5(DNMT3A):c.817A>G (p.Asn273Asp)

Gene: DNMT3A (DNA methyltransferase 3 alpha; minus strand). Cytogenetic location: 2p23.3.
Variant type: single nucleotide variant.
Coding change: c.817A>G on transcript NM_022552.5 (MANE Select); coding-DNA position 817, A replaced by G.
Protein change: p.Asn273Asp; replaces asparagine 273 with aspartic acid.
Molecular consequence: missense variant. On other transcripts: non-coding transcript variant (1).
Genome position (GRCh38, 1-based): chr2:25,248,075, T>C on the plus strand (A>G on the coding strand, the complement: DNMT3A is on the minus strand). VCF-style: chr2-25248075-T-C. GRCh37 (hg19) VCF-style: chr2-25470944-T-C.
Other names: c.361A>G, p.Asn121Asp (NM_001320893.1); c.148A>G, p.Asn50Asp (NM_001375819.1); c.250A>G, p.Asn84Asp (NM_153759.3); c.817A>G, p.Asn273Asp (NM_175629.2); short protein forms N121D, N84D, N273D, N50D.
Identifiers: ClinVar variation 3504256 (VCV003504256.1).
Genomic context (GRCh38, chr2:25,248,075, plus strand): 5'-GGCTGGTGAAGAAGCCGCTCACCTCGTACTCTGGCTCGTCATCGCCTGCTTTGGTGGCAT[T>C]CTTGTCCCCAGCATCGGACCCCACGGGCTCAGGCGTGGTAGCCACAGTGGGGGATGCGGG-3'
Protein context (NP_072046.2, residues 263-283): EPVGSDAGDK[Asn273Asp]ATKAGDDEPE